The following is an entry in ClinVar:

ClinVar aggregate classification (germline): Uncertain significance (1 of 4 stars; one submission).

gnomAD v4.1: 15 of 1,612,688 alleles (0.00093%); highest among the groups gnomAD compares: Non-Finnish European, 0.0012%; no homozygotes.

Submission:

Labcorp Genetics (formerly Invitae), Labcorp
Classification: Uncertain significance. Last evaluated: 2019-07-28. Review status: criteria provided, single submitter. Criteria: Invitae Variant Classification Sherloc (09022015). Collection method: clinical testing. Allele origin: germline.
Comment: In summary, the available evidence is currently insufficient to determine the role of this variant in disease. Therefore, it has been classified as a Variant of Uncertain Significance. This variant has not been reported in the literature in individuals with P3H2-related conditions. This variant is not present in population databases (ExAC no frequency). This sequence change results in a premature translational stop signal in the P3H2 gene (p.Gln682*). While this is not anticipated to result in nonsense mediated decay, it is expected to disrupt the last 27 amino acids of the P3H2 protein.

NM_018192.4(P3H2):c.2044C>T (p.Gln682Ter)

Gene: P3H2 (prolyl 3-hydroxylase 2; minus strand). Cytogenetic location: 3q28.
Variant type: single nucleotide variant.
Coding change: c.2044C>T on transcript NM_018192.4 (MANE Select); coding-DNA position 2044, C replaced by T.
Protein change: p.Gln682Ter; replaces glutamine 682 with a stop codon.
Molecular consequence: nonsense.
Genome position (GRCh38, 1-based): chr3:189,957,995, G>A on the plus strand (C>T on the coding strand, the complement: P3H2 is on the minus strand). VCF-style: chr3-189957995-G-A. GRCh37 (hg19) VCF-style: chr3-189675784-G-A.
Other names: c.1501C>T, p.Gln501Ter (NM_001134418.2); short protein forms Q501*, Q682*.
Identifiers: ClinVar variation 956368 (VCV000956368.6), dbSNP rs1722692833, ClinGen allele CA355751066.
Genomic context (GRCh38, chr3:189,957,995, plus strand): 5'-TATTCAGTTCATGCTTCCCTTGCTGTTCTTGATCCAGAATTGCAATCACTTCATCAGCCT[G>A]TATTCGCTCCTGCAAAAAAGACAATTTACACATTTCTGTTACAAGCATAATAATCAGTCT-3'